The following is an entry in ClinVar:

ClinVar aggregate classification (germline): Uncertain significance. Review status: criteria provided, multiple submitters, no conflicts (2 of 4 stars). 2 submissions from 2 submitters: Uncertain significance (2). Last evaluated 2023-01-04.

Conditions:
Hereditary cancer-predisposing syndrome. Also called: Hereditary Cancer Syndrome; Neoplastic Syndromes, Hereditary; Hereditary neoplastic syndrome; Tumor predisposition. Identifiers: Orphanet 140162, MedGen C0027672, MeSH D009386, MONDO:0015356.
Ataxia-telangiectasia syndrome (AT). Also called: Cerebello-oculocutaneous telangiectasia; Immunodeficiency with ataxia telangiectasia; Ataxia-telangiectasia, complementation group E; Ataxia-telangiectasia, complementation group D; AT, COMPLEMENTATION GROUP C; ATAXIA-TELANGIECTASIA, COMPLEMENTATION GROUP A. Identifiers: Orphanet 100, MedGen C0004135, MONDO:0008840, OMIM 208900.

Submissions (2):

Labcorp Genetics (formerly Invitae), Labcorp
Classification: Uncertain significance for Ataxia-telangiectasia syndrome. Last evaluated: 2023-01-04. Review status: criteria provided, single submitter. Criteria: Invitae Variant Classification Sherloc (09022015). Collection method: clinical testing. Allele origin: germline.
Comment: In summary, the available evidence is currently insufficient to determine the role of this variant in disease. Therefore, it has been classified as a Variant of Uncertain Significance. Algorithms developed to predict the effect of missense changes on protein structure and function (SIFT, PolyPhen-2, Align-GVGD) all suggest that this variant is likely to be tolerated. ClinVar contains an entry for this variant (Variation ID: 823238). This variant has not been reported in the literature in individuals affected with ATM-related conditions. This variant is not present in population databases (gnomAD no frequency). This sequence change replaces phenylalanine, which is neutral and non-polar, with leucine, which is neutral and non-polar, at codon 1077 of the ATM protein (p.Phe1077Leu).

Ambry Genetics
Classification: Uncertain significance for Hereditary cancer-predisposing syndrome. Last evaluated: 2018-02-15. Review status: criteria provided, single submitter. Criteria: Ambry Variant Classification Scheme 2023. Collection method: clinical testing. Allele origin: germline.
Comment: The p.F1077L variant (also known as c.3229T>C), located in coding exon 21 of the ATM gene, results from a T to C substitution at nucleotide position 3229. The phenylalanine at codon 1077 is replaced by leucine, an amino acid with highly similar properties. This amino acid position is highly conserved through reptiles but not in all available vertebrate species. In addition, the in silico prediction for this alteration is inconclusive. Since supporting evidence is limited at this time, the clinical significance of this alteration remains unclear.

NM_000051.4(ATM):c.3229T>C (p.Phe1077Leu)

Gene: ATM (ATM serine/threonine kinase; plus strand). Cytogenetic location: 11q22.3.
Variant type: single nucleotide variant.
Coding change: c.3229T>C on transcript NM_000051.4 (MANE Select); coding-DNA position 3229, T replaced by C.
Protein change: p.Phe1077Leu; replaces phenylalanine 1077 with leucine.
Molecular consequence: missense variant.
Genome position (GRCh38, 1-based): chr11:108,272,797, T>C. VCF-style: chr11-108272797-T-C. GRCh37 (hg19) VCF-style: chr11-108143524-T-C.
Other names: c.3229T>C, p.Phe1077Leu (NM_001351834.2); short protein forms F1077L.
Identifiers: ClinVar variation 823238 (VCV000823238.12), dbSNP rs1555086111, ClinGen allele CA382515919.